The following is an entry in ClinVar:

ClinVar aggregate classification (germline): Uncertain significance (1 of 4 stars; one submission).

Conditions:
Inborn genetic diseases. Identifiers: MedGen C0950123, MeSH D030342.

Submission:

Ambry Genetics
Classification: Uncertain significance for Inborn genetic diseases. Last evaluated: 2023-02-26. Review status: criteria provided, single submitter. Criteria: Ambry Variant Classification Scheme 2023. Collection method: clinical testing. Allele origin: germline.
Comment: The p.I166T variant (also known as c.497T>C), located in coding exon 5 of the MDH2 gene, results from a T to C substitution at nucleotide position 497. The isoleucine at codon 166 is replaced by threonine, an amino acid with similar properties. This amino acid position is conserved. In addition, this alteration is predicted to be deleterious by in silico analysis. Since supporting evidence is limited at this time, the clinical significance of this alteration remains unclear.

NM_005918.4(MDH2):c.497T>C (p.Ile166Thr)

Gene: MDH2 (malate dehydrogenase 2; plus strand). Cytogenetic location: 7q11.23.
Variant type: single nucleotide variant.
Coding change: c.497T>C on transcript NM_005918.4 (MANE Select); coding-DNA position 497, T replaced by C.
Protein change: p.Ile166Thr; replaces isoleucine 166 with threonine.
Molecular consequence: missense variant. On other transcripts: intron variant (1).
Genome position (GRCh38, 1-based): chr7:76,060,440, T>C. VCF-style: chr7-76060440-T-C. GRCh37 (hg19) VCF-style: chr7-75689758-T-C.
Other names: c.176T>C, p.Ile59Thr (NM_001282404.2); c.429+2362T>C (NM_001282403.2); short protein forms I166T, I59T.
Identifiers: ClinVar variation 2447844 (VCV002447844.2), dbSNP rs1554586837, ClinGen allele CA367764980.